The following is an entry in ClinVar:

NM_001430.5(EPAS1):c.1679C>A (p.Pro560His)

Gene: EPAS1 (endothelial PAS domain protein 1; plus strand). Cytogenetic location: 2p21.
Variant type: single nucleotide variant.
Coding change: c.1679C>A on transcript NM_001430.5 (MANE Select); coding-DNA position 1679, C replaced by A.
Protein change: p.Pro560His; replaces proline 560 with histidine.
Molecular consequence: missense variant.
Genome position (GRCh38, 1-based): chr2:46,380,351, C>A. VCF-style: chr2-46380351-C-A. GRCh37 (hg19) VCF-style: chr2-46607490-C-A.
Other names: short protein forms P560H.
Identifiers: ClinVar variation 1777849 (VCV001777849.3), dbSNP rs868839389, ClinGen allele CA1645083.

ClinVar aggregate classification (germline): Conflicting classifications of pathogenicity. Review status: criteria provided, conflicting classifications (1 of 4 stars). 2 submissions from 2 submitters: Uncertain significance (1); Likely benign (1). Last evaluated 2025-10-07.

Conditions:
Inborn genetic diseases. Identifiers: MedGen C0950123, MeSH D030342.

Allele frequency attached by ClinVar (database versions not stated): TOPMed 0.00003; gnomAD 0.00006; ExAC 0.00012.
gnomAD v4.1: 138 of 1,614,204 alleles (0.0085%); highest among the groups gnomAD compares: Middle Eastern, 0.35%; 2 homozygotes.

Submissions (2):

Labcorp Genetics (formerly Invitae), Labcorp
Classification: Uncertain significance. Last evaluated: 2025-10-07. Review status: criteria provided, single submitter. Criteria: Invitae Variant Classification Sherloc (09022015). Collection method: clinical testing. Allele origin: germline.
Comment: This sequence change replaces proline, which is neutral and non-polar, with histidine, which is basic and polar, at codon 560 of the EPAS1 protein (p.Pro560His). This variant is present in population databases (no rsID available, gnomAD 0.04%), and has an allele count higher than expected for a pathogenic variant. This variant has not been reported in the literature in individuals affected with EPAS1-related conditions. ClinVar contains an entry for this variant (Variation ID: 1777849). An algorithm developed to predict the effect of missense changes on protein structure and function (PolyPhen-2) suggests that this variant is likely to be disruptive. In summary, the available evidence is currently insufficient to determine the role of this variant in disease. Therefore, it has been classified as a Variant of Uncertain Significance.

Ambry Genetics
Classification: Likely benign for Inborn genetic diseases. Last evaluated: 2022-12-05. Review status: criteria provided, single submitter. Criteria: Ambry Variant Classification Scheme 2023. Collection method: clinical testing. Allele origin: germline.